The following is an entry in ClinVar:

NM_052859.4(RFT1):c.1331C>T (p.Thr444Met)

Gene: RFT1 (RFT1 glycolipid translocator homolog; minus strand). Cytogenetic location: 3p21.1.
Variant type: single nucleotide variant.
Coding change: c.1331C>T on transcript NM_052859.4 (MANE Select); coding-DNA position 1331, C replaced by T.
Protein change: p.Thr444Met; replaces threonine 444 with methionine.
Molecular consequence: missense variant.
Genome position (GRCh38, 1-based): chr3:53,092,496, G>A on the plus strand (C>T on the coding strand, the complement: RFT1 is on the minus strand). VCF-style: chr3-53092496-G-A. GRCh37 (hg19) VCF-style: chr3-53126512-G-A.
Other names: p.Thr444Met; short protein forms T444M.
Identifiers: ClinVar variation 547993 (VCV000547993.21), dbSNP rs147740901, ClinGen allele CA2451177.

ClinVar aggregate classification (germline): Uncertain significance. Review status: criteria provided, multiple submitters, no conflicts (2 of 4 stars). 7 submissions from 7 submitters: Uncertain significance (7). Last evaluated 2025-09-24.

Conditions:
Inborn genetic diseases. Identifiers: MedGen C0950123, MeSH D030342.
RFT1-congenital disorder of glycosylation (CDG1N). Also called: RFT1-CDG; CDG In; Congenital disorder of glycosylation type In. Identifiers: Orphanet 244310, MedGen C2677590, MONDO:0012783, OMIM 612015.

Allele frequency attached by ClinVar (database versions not stated): 1000 Genomes Project 30x 0.00016; 1000 Genomes Project 0.00020; gnomAD exomes 0.00047 and 0.00052; gnomAD 0.00040 and 0.00039; ExAC 0.00048; TOPMed 0.00037; ESP Exome Variant Server 0.00046.
gnomAD v4.1: 828 of 1,612,476 alleles (0.051%); highest among the groups gnomAD compares: Middle Eastern, 0.15%; 4 homozygotes.

Submissions (7):

Ambry Genetics
Classification: Uncertain significance for Inborn genetic diseases. Last evaluated: 2025-09-24. Review status: criteria provided, single submitter. Criteria: Ambry Variant Classification Scheme 2023. Collection method: clinical testing. Allele origin: germline.
Comment: The c.1331C>T (p.T444M) alteration is located in exon 12 (coding exon 12) of the RFT1 gene. This alteration results from a C to T substitution at nucleotide position 1331, causing the threonine (T) at amino acid position 444 to be replaced by a methionine (M). Based on data from gnomAD, the T allele has an overall frequency of 0.045% (126/277572) total alleles studied. The highest observed frequency was 0.1% (7/7000) of Other alleles. Based on insufficient or conflicting evidence, the clinical significance of this alteration remains unclear.

Labcorp Genetics (formerly Invitae), Labcorp
Classification: Uncertain significance for RFT1-congenital disorder of glycosylation. Last evaluated: 2025-01-20. Review status: criteria provided, single submitter. Criteria: Invitae Variant Classification Sherloc (09022015). Collection method: clinical testing. Allele origin: germline.
Comment: This sequence change replaces threonine, which is neutral and polar, with methionine, which is neutral and non-polar, at codon 444 of the RFT1 protein (p.Thr444Met). This variant is present in population databases (rs147740901, gnomAD 0.07%), and has an allele count higher than expected for a pathogenic variant. This missense change has been observed in individual(s) with clinical features of congenital disorder of glycosylation (PMID: 38374194). ClinVar contains an entry for this variant (Variation ID: 547993). Invitae Evidence Modeling of protein sequence and biophysical properties (such as structural, functional, and spatial information, amino acid conservation, physicochemical variation, residue mobility, and thermodynamic stability) indicates that this missense variant is not expected to disrupt RFT1 protein function with a negative predictive value of 80%. In summary, the available evidence is currently insufficient to determine the role of this variant in disease. Therefore, it has been classified as a Variant of Uncertain Significance.

Mayo Clinic Laboratories, Mayo Clinic
Classification: Uncertain significance. Last evaluated: 2024-12-09. Review status: criteria provided, single submitter. Criteria: ACMG Guidelines, 2015. Collection method: clinical testing. Allele origin: germline. Observed: 1 variant allele.
Comment: BP4

Revvity Omics, Revvity
Classification: Uncertain significance for RFT1-congenital disorder of glycosylation. Last evaluated: 2021-12-30. Review status: criteria provided, single submitter. Criteria: ACMG Guidelines, 2015. Collection method: clinical testing. Allele origin: germline.

GeneDx
Classification: Uncertain significance. Last evaluated: 2020-09-04. Review status: criteria provided, single submitter. Criteria: GeneDx Variant Classification Process June 2021. Collection method: clinical testing. Allele origin: germline. Affected: yes.
Comment: Reported in the heterozygous state in a patient with central serous chorioretinopathy who also harbored several variants in other genes (Schellevis et al., 2019); In silico analysis, which includes protein predictors and evolutionary conservation, supports that this variant does not alter protein structure/function; This variant is associated with the following publications: (PMID: 30724488)

Fulgent Genetics
Classification: Uncertain significance for RFT1-congenital disorder of glycosylation. Last evaluated: 2018-10-31. Review status: criteria provided, single submitter. Criteria: ACMG Guidelines, 2015. Collection method: clinical testing. Allele origin: unknown.

Illumina Laboratory Services, Illumina
Classification: Uncertain significance for RFT1-congenital disorder of glycosylation. Last evaluated: 2018-01-13. Review status: criteria provided, single submitter. Criteria: ICSL Variant Classification Criteria 13 December 2019. Collection method: clinical testing. Allele origin: germline.

Literature cited by the submitters: PubMed 38374194 (cited by 3 submitters); PubMed 30724488 (cited by Mayo Clinic Laboratories, Mayo Clinic).